The following is an entry in ClinVar:

ClinVar aggregate classification (germline): Uncertain significance. Review status: criteria provided, single submitter (1 of 4 stars). 2 submissions from 2 submitters: Uncertain significance (1). 1 of the submissions does not count toward it. Last evaluated 2024-10-28.

Conditions:
Retinal dystrophy. Also called: Inherited retinal dystrophy. Identifiers: Orphanet 71862, MedGen C0854723, MeSH D058499, MONDO:0019118, HP:0000556.

Allele frequency attached by ClinVar (database versions not stated): gnomAD exomes 0.00001; ExAC 0.00002; gnomAD 0.00001; TOPMed 0.00004.

Submissions (2):

Labcorp Genetics (formerly Invitae), Labcorp
Classification: Uncertain significance. Last evaluated: 2024-10-28. Review status: criteria provided, single submitter. Criteria: Invitae Variant Classification Sherloc (09022015). Collection method: clinical testing. Allele origin: germline.
Comment: This sequence change replaces arginine, which is basic and polar, with histidine, which is basic and polar, at codon 106 of the CFAP410 protein (p.Arg106His). This variant is present in population databases (rs751035924, gnomAD 0.02%). This variant has not been reported in the literature in individuals affected with CFAP410-related conditions. ClinVar contains an entry for this variant (Variation ID: 1914977). Invitae Evidence Modeling of protein sequence and biophysical properties (such as structural, functional, and spatial information, amino acid conservation, physicochemical variation, residue mobility, and thermodynamic stability) indicates that this missense variant is not expected to disrupt CFAP410 protein function with a negative predictive value of 80%. In summary, the available evidence is currently insufficient to determine the role of this variant in disease. Therefore, it has been classified as a Variant of Uncertain Significance.

Institute of Human Genetics, Univ. Regensburg, Univ. Regensburg
Classification: Uncertain significance for Retinal dystrophy. Last evaluated: 2021-01-01. Review status: no assertion criteria provided. Criteria: ACMG Guidelines, 2015. Collection method: clinical testing. Allele origin: germline. Affected: yes. Not counted in ClinVar's aggregate classification.

NM_004928.3(CFAP410):c.317G>A (p.Arg106His)

Gene: CFAP410 (cilia and flagella associated protein 410; minus strand). Cytogenetic location: 21q22.3.
Variant type: single nucleotide variant.
Coding change: c.317G>A on transcript NM_004928.3 (MANE Select); coding-DNA position 317, G replaced by A.
Protein change: p.Arg106His; replaces arginine 106 with histidine.
Molecular consequence: missense variant.
Genome position (GRCh38, 1-based): chr21:44,333,089, C>T on the plus strand (G>A on the coding strand, the complement: CFAP410 is on the minus strand). VCF-style: chr21-44333089-C-T. GRCh37 (hg19) VCF-style: chr21-45752972-C-T.
Other names: c.317G>A, p.Arg106His (NM_001271440.2, NM_001271441.2); c.194G>A, p.Arg65His (NM_001271442.1); short protein forms R106H, R65H.
Identifiers: ClinVar variation 1914977 (VCV001914977.6), dbSNP rs751035924, ClinGen allele CA10053729.